The following is an entry in ClinVar:

NM_014795.4(ZEB2):c.916G>A (p.Gly306Ser)

Gene: ZEB2 (zinc finger E-box binding homeobox 2; minus strand). Cytogenetic location: 2q22.3.
Variant type: single nucleotide variant.
Coding change: c.916G>A on transcript NM_014795.4 (MANE Select); coding-DNA position 916, G replaced by A.
Protein change: p.Gly306Ser; replaces glycine 306 with serine.
Molecular consequence: missense variant.
Genome position (GRCh38, 1-based): chr2:144,401,199, C>T on the plus strand (G>A on the coding strand, the complement: ZEB2 is on the minus strand). VCF-style: chr2-144401199-C-T. GRCh37 (hg19) VCF-style: chr2-145158766-C-T.
Other names: c.844G>A, p.Gly282Ser (NM_001171653.2); short protein forms G282S, G306S.
Identifiers: ClinVar variation 1325538 (VCV001325538.2), dbSNP rs113893117, ClinGen allele CA57557123.

ClinVar aggregate classification (germline): Uncertain significance. Review status: criteria provided, multiple submitters, no conflicts (2 of 4 stars). 2 submissions from 2 submitters: Uncertain significance (2). Last evaluated 2024-04-29.

Conditions:
Mowat-Wilson syndrome (MOWS). Also called: Classic Mowat-Wilson Syndrome. Identifiers: Orphanet 2152, MedGen C1856113, MONDO:0009341, OMIM 235730.

Submissions (2):

GeneDx
Classification: Uncertain significance. Last evaluated: 2024-04-29. Review status: criteria provided, single submitter. Criteria: GeneDx Variant Classification Process June 2021. Collection method: clinical testing. Allele origin: germline. Affected: yes.
Comment: Not observed at significant frequency in large population cohorts (gnomAD); In silico analysis supports that this missense variant has a deleterious effect on protein structure/function; Has not been previously published as pathogenic or benign to our knowledge; In silico analysis suggests this variant may impact gene splicing. In the absence of RNA/functional studies, the actual effect of this sequence change is unknown.

New York Genome Center
Classification: Uncertain significance for Mowat-Wilson syndrome. Last evaluated: 2020-05-07. Review status: criteria provided, single submitter. Criteria: NYGC Assertion Criteria 2020. Collection method: clinical testing. Allele origin: germline. Observed: 1 heterozygote. Study: CSER-NYCKidSeq.